The following is an entry in ClinVar:

Single allele

Genes: DAZ4 (deleted in azoospermia 4; plus strand), TTTY3 (testis expressed transcript, Y-linked 3; plus strand), TTTY3B (testis expressed transcript, Y-linked 3B; minus strand), TTTY4 (testis expressed transcript, Y-linked 4; plus strand), TTTY4B (testis expressed transcript, Y-linked 4B; plus strand) and 15 more. Cytogenetic location: Yq11.223-11.23.
Variant type: Deletion.
Identifiers: ClinVar variation 5021138 (VCV005021138.1).

ClinVar aggregate classification (germline): Pathogenic (1 of 4 stars; one submission).

Conditions:
Spermatogenic Failure. Identifiers: MedGen C3553794, MONDO:0004983.

Submission:

Conrad Lab, Oregon Health and Science University
Classification: Pathogenic for Spermatogenic Failure. Last evaluated: 2026-09-29. Review status: criteria provided, single submitter. Criteria: ACMG Guidelines, 2015. Collection method: research. Allele origin: germline. Affected: yes. Observed: 3 variant alleles. Clinical features observed: Azoospermia (HP:0000027), Severe oligozoospermia (HP:0034818). Study: GEMINI.
Comment: This deletion corresponds to the classical full AZFc deletion, an established cause of impaired spermatogenesis. It encompasses the DAZ gene cluster and additional AZFc genes. Three affected men were identified by exome read-depth analysis; long-read Oxford Nanopore sequencing supported the deletion by absent coverage. Clinical data document azoospermia in one and severe oligozoospermia in two. The reported interval represents minimum bounds; junction-spanning reads were not identified. The established disease association of full AZFc deletion supports the submitted Pathogenic classification.